The following is an entry in ClinVar:

NM_007204.5(DDX20):c.501A>G (p.Gly167=)

Gene: DDX20 (DEAD-box helicase 20; plus strand). Cytogenetic location: 1p13.2.
Variant type: single nucleotide variant.
Coding change: c.501A>G on transcript NM_007204.5 (MANE Select); coding-DNA position 501, A replaced by G.
Protein change: p.Gly167=; no amino-acid change (glycine 167 retained).
Molecular consequence: synonymous variant.
Genome position (GRCh38, 1-based): chr1:111,759,504, A>G. VCF-style: chr1-111759504-A-G. GRCh37 (hg19) VCF-style: chr1-112302126-A-G.
Identifiers: ClinVar variation 3778332 (VCV003778332.7).
Genomic context (GRCh38, chr1:111,759,504, plus strand): 5'-TTCTGTTATTACAGCCATTGGAATAAAAATGGAAGGCTTAGAGTGTCATGTCTTTATTGG[A>G]GGGACCCCATTATCACAAGACAAAACCAGACTTAAAAAGTGTCATATTGCTGTTGGATCT-3'
Protein context (NP_009135.4, residues 157-177): MEGLECHVFI[Gly167=]GTPLSQDKTR

ClinVar aggregate classification (germline): Likely benign (1 of 4 stars; one submission).

Submission:

CeGaT Center for Human Genetics Tuebingen
Classification: Likely benign. Last evaluated: 2025-02-01. Review status: criteria provided, single submitter. Criteria: CeGaT Center For Human Genetics Tuebingen Variant Classification Criteria Version 2. Collection method: clinical testing. Allele origin: germline. Affected: yes. Observed: 1 variant allele.
Comment: DDX20: PM2:Supporting, BP4, BP7